The following is an entry in ClinVar:

NM_005476.7(GNE):c.1520C>T (p.Thr507Ile)

Gene: GNE (glucosamine (UDP-N-acetyl)-2-epimerase/N-acetylmannosamine kinase; minus strand). Cytogenetic location: 9p13.3.
Variant type: single nucleotide variant.
Coding change: c.1520C>T on transcript NM_005476.7 (MANE Select); coding-DNA position 1520, C replaced by T.
Protein change: p.Thr507Ile; replaces threonine 507 with isoleucine.
Molecular consequence: missense variant. On other transcripts: intron variant (1).
Genome position (GRCh38, 1-based): chr9:36,222,890, G>A on the plus strand (C>T on the coding strand, the complement: GNE is on the minus strand). VCF-style: chr9-36222890-G-A. GRCh37 (hg19) VCF-style: chr9-36222887-G-A.
Other names: c.1613C>T, p.Thr538Ile (NM_001128227.3); c.1190C>T, p.Thr397Ile (NM_001190384.3); c.1343C>T, p.Thr448Ile (NM_001190388.2, NM_001374798.1); c.1367C>T, p.Thr456Ile (NM_001374797.1); c.1411+483C>T (NM_001190383.3); short protein forms T397I, T456I, T507I, T538I, T448I.
Identifiers: ClinVar variation 2061470 (VCV002061470.1), dbSNP rs781142720, ClinGen allele CA5056472.
Genomic context (GRCh38, chr9:36,222,890, plus strand): 5'-TTCCTTTCCGCCAGGGCAGCACAGTTGCCATCATTGTCTACCCACACAGGGAGATGCAAA[G>A]TGTCAGAAAGGGGGGTCCTAAGGTCCACAGAGTTCCACTCTTGGATCAGTTTGGTTGAAT-3'
Protein context (NP_005467.1, residues 497-517): SVDLRTPLSD[Thr507Ile]LHLPVWVDND

ClinVar aggregate classification (germline): Uncertain significance (1 of 4 stars; one submission).

Conditions:
GNE myopathy (NM). Also called: INCLUSION BODY MYOPATHY, HEREDITARY, AUTOSOMAL RECESSIVE; INCLUSION BODY MYOPATHY 2, AUTOSOMAL RECESSIVE; MYOPATHY, DISTAL, WITH OR WITHOUT RIMMED VACUOLES; NONAKA DISTAL MYOPATHY; IBM 2; Inclusion body myopathy autosomal recessive. Identifiers: Orphanet 602, MedGen C1853926, MONDO:0011603, OMIM 605820.
Sialuria. Also called: Sialic Acid Storage Disease; SIALURIA, FRENCH TYPE. Identifiers: Orphanet 3166, MedGen C0342853, MONDO:0010028, OMIM 269921.

Allele frequency attached by ClinVar (database versions not stated): gnomAD exomes below 0.00001; ExAC 0.00001; gnomAD 0.00001; TOPMed 0.00001.
gnomAD v4.1: 8 of 1,614,018 alleles (0.0005%); highest among the groups gnomAD compares: African/African-American, 0.0013%; no homozygotes.

Submission:

Labcorp Genetics (formerly Invitae), Labcorp
Classification: Uncertain significance for Sialuria; GNE myopathy. Last evaluated: 2022-10-05. Review status: criteria provided, single submitter. Criteria: Invitae Variant Classification Sherloc (09022015). Collection method: clinical testing. Allele origin: germline.
Comment: This sequence change replaces threonine, which is neutral and polar, with isoleucine, which is neutral and non-polar, at codon 538 of the GNE protein (p.Thr538Ile). This variant is present in population databases (rs781142720, gnomAD 0.0009%). This variant has not been reported in the literature in individuals affected with GNE-related conditions. Advanced modeling of protein sequence and biophysical properties (such as structural, functional, and spatial information, amino acid conservation, physicochemical variation, residue mobility, and thermodynamic stability) has been performed at Invitae for this missense variant, however the output from this modeling did not meet the statistical confidence thresholds required to predict the impact of this variant on GNE protein function. In summary, the available evidence is currently insufficient to determine the role of this variant in disease. Therefore, it has been classified as a Variant of Uncertain Significance.